The following is an entry in ClinVar:

ClinVar aggregate classification (germline): Uncertain significance (1 of 4 stars; one submission).

Conditions:
Hereditary pancreatitis (PCTT). Also called: Hereditary chronic pancreatitis; PRSS1-Related Hereditary Pancreatitis. Identifiers: Orphanet 676, MedGen C0238339, MONDO:0008185, OMIM 167800.

gnomAD v4.1: 9 of 1,614,058 alleles (0.00056%); highest among the groups gnomAD compares: Non-Finnish European, 0.00076%; no homozygotes.

Submission:

Ambry Genetics
Classification: Uncertain significance for Hereditary pancreatitis. Last evaluated: 2025-11-11. Review status: criteria provided, single submitter. Criteria: Ambry Variant Classification Scheme 2023. Collection method: clinical testing. Allele origin: germline.
Comment: The p.A173D variant (also known as c.518C>A), located in coding exon 4 of the PRSS1 gene, results from a C to A substitution at nucleotide position 518. The alanine at codon 173 is replaced by aspartic acid, an amino acid with dissimilar properties. This amino acid position is conserved. In addition, this alteration is predicted to be tolerated by in silico analysis. Based on the available evidence, the clinical significance of this variant remains unclear.

NM_002769.5(PRSS1):c.518C>A (p.Ala173Asp)

Genes: PRSS1 (serine protease 1; plus strand), TRB (T cell receptor beta locus; plus strand). Cytogenetic location: 7q34.
Variant type: single nucleotide variant.
Coding change: c.518C>A on transcript NM_002769.5 (MANE Select); coding-DNA position 518, C replaced by A.
Protein change: p.Ala173Asp; replaces alanine 173 with aspartic acid.
Molecular consequence: missense variant. On other transcripts: non-coding transcript variant (5).
Genome position (GRCh38, 1-based): chr7:142,752,494, C>A. VCF-style: chr7-142752494-C-A. GRCh37 (hg19) VCF-style: chr7-142460345-C-A.
Other names: short protein forms A173D.
Identifiers: ClinVar variation 4560393 (VCV004560393.1).
Genomic context (GRCh38, chr7:142,752,494, plus strand): 5'-ACTACCCAGACGAGCTGCAGTGCCTGGATGCTCCTGTGCTGAGCCAGGCTAAGTGTGAAG[C>A]CTCCTACCCTGGAAAGATTACCAGCAACATGTTCTGTGTGGGCTTCCTTGAGGGAGGCAA-3'
Protein context (NP_002760.1, residues 163-183): APVLSQAKCE[Ala173Asp]SYPGKITSNM